The following is an entry in ClinVar:

ClinVar aggregate classification (germline): Pathogenic (1 of 4 stars; one submission).

Conditions:
Familial hypokalemia-hypomagnesemia (GTLMNS). Also called: HYPOMAGNESEMIA-HYPOKALEMIA, PRIMARY RENOTUBULAR, WITH HYPOCALCIURIA; POTASSIUM AND MAGNESIUM DEPLETION; gitelman syndrome. Identifiers: Orphanet 358, MedGen C0268450, MONDO:0009904, OMIM 263800.

Submission:

Victorian Clinical Genetics Services, Murdoch Childrens Research Institute
Classification: Pathogenic for Familial hypokalemia-hypomagnesemia. Last evaluated: 2024-09-21. Review status: criteria provided, single submitter. Criteria: ACMG Guidelines, 2015. Collection method: clinical testing. Allele origin: germline. Inheritance: Autosomal recessive inheritance. Affected: yes.
Comment: Based on the classification scheme VCGS_Germline_v1.3.4, this variant is classified as Pathogenic. Following criteria are met: 0102 - Loss of function is a known mechanism of disease in this gene and is associated with Gitelman syndrome (MIM#263800). (I) 0106 - This gene is associated with autosomal recessive disease. (I) 0201 - Variant is predicted to cause nonsense-mediated decay (NMD) and loss of protein (premature termination codon is located at least 54 nucleotides upstream of the final exon-exon junction). (SP) 0251 - This variant is heterozygous. (I) 0301 - Variant is absent from gnomAD (both v2 and v3). (SP) 0701 - Other NMD-predicted variants comparable to the one identified in this case have very strong previous evidence for pathogenicity. Many NMD-predicted variants have previously been reported as pathogenic in individuals with Gitelman Syndrome (ClinVar). (SP) 0807 - This variant has no previous evidence of pathogenicity. (I) 0905 - No published segregation evidence has been identified for this variant. (I) 1007 - No published functional evidence has been identified for this variant. (I) 1208 - Inheritance information for this variant is not currently available in this individual. (I) Legend: (SP) - Supporting pathogenic, (I) - Information, (SB) - Supporting benign

NM_001126108.2(SLC12A3):c.1684_1696del (p.Phe562fs)

Gene: SLC12A3 (solute carrier family 12 member 3; plus strand). Cytogenetic location: 16q13.
Variant type: Deletion.
Coding change: c.1684_1696del on transcript NM_001126108.2 (MANE Select); coding-DNA positions 1684 to 1696, 13 bases deleted (TTCCAATACTACA).
Protein change: p.Phe562fs; shifts the reading frame from phenylalanine 562.
Molecular consequence: frameshift variant.
Genome position (GRCh38, 1-based): chr16:56,884,063-56,884,075, TTCCAATACTACA deleted; deleting any 13 consecutive bases within chr16:56,884,061-56,884,075 gives the same sequence; the c. name uses the placement nearest the transcript's 3' end. VCF-style (leftmost placement, unchanged base first): chr16-56884060-TCATTCCAATACTA-T. GRCh37 (hg19) VCF-style: chr16-56917972-TCATTCCAATACTA-T.
Other names: c.1684_1696del, p.Phe562fs (NM_000339.3); c.1681_1693del, p.Phe561fs (NM_001126107.2, NM_001410896.1); short protein forms F561fs, F562fs.
Identifiers: ClinVar variation 3255059 (VCV003255059.2), dbSNP rs2543515261.